The following is an entry in ClinVar:

ClinVar aggregate classification (germline): Pathogenic (1 of 4 stars; one submission).

Conditions:
Tuberous sclerosis 2 (TSC2). Identifiers: Orphanet 805, MedGen C1860707, MONDO:0013199, OMIM 613254.

Submission:

Labcorp Genetics (formerly Invitae), Labcorp
Classification: Pathogenic for Tuberous sclerosis 2. Last evaluated: 2025-10-07. Review status: criteria provided, single submitter. Criteria: Invitae Variant Classification Sherloc (09022015). Collection method: clinical testing. Allele origin: germline.
Comment: This sequence change creates a premature translational stop signal (p.Cys1687*) in the TSC2 gene. It is expected to result in an absent or disrupted protein product. Loss-of-function variants in TSC2 are known to be pathogenic (PMID: 10205261, 17304050). This variant is not present in population databases (gnomAD no frequency). This variant has not been reported in the literature in individuals affected with TSC2-related conditions. For these reasons, this variant has been classified as Pathogenic.

Literature cited by the submitters: PubMed 10205261; PubMed 17304050.

NM_000548.5(TSC2):c.5061C>A (p.Cys1687Ter)

Gene: TSC2 (TSC complex subunit 2; plus strand). Cytogenetic location: 16p13.3.
Variant type: single nucleotide variant.
Coding change: c.5061C>A on transcript NM_000548.5 (MANE Select); coding-DNA position 5061, C replaced by A.
Protein change: p.Cys1687Ter; replaces cysteine 1687 with a stop codon.
Molecular consequence: nonsense. On other transcripts: non-coding transcript variant (5).
Genome position (GRCh38, 1-based): chr16:2,087,934, C>A. VCF-style: chr16-2087934-C-A. GRCh37 (hg19) VCF-style: chr16-2137935-C-A.
Other names: c.4860C>A, p.Cys1620Ter (NM_001077183.3); c.4992C>A, p.Cys1664Ter (NM_001114382.3); c.4752C>A, p.Cys1584Ter (NM_001318827.2); c.4716C>A, p.Cys1572Ter (NM_001318829.2); c.4329C>A, p.Cys1443Ter (NM_001318831.2); c.4893C>A, p.Cys1631Ter (NM_001318832.2); c.4863C>A, p.Cys1621Ter (NM_001363528.2); c.4929C>A, p.Cys1643Ter (NM_001370404.1); and 26 more; short protein forms C1173*, C1464*, C1584*, C1601*, C1631*, C1644*, C1650*, C1651*.
Identifiers: ClinVar variation 4728644 (VCV004728644.1).